The following is an entry in ClinVar:

ClinVar aggregate classification (germline): Likely pathogenic (1 of 4 stars; one submission).

Conditions:
Congenital hyperammonemia, type I. Also called: Carbamoyl phosphate synthetase I deficiency disease; CPS I DEFICIENCY; Carbamoyl-phosphate synthase I deficiency; Carbamoyl phosphate synthetase 1 deficiency; Hyperammonemia due to carbamoyl phosphate synthetase 1 deficiency; CPS 1 deficiency. Identifiers: Orphanet 147, MedGen C4082171, MONDO:0009376, OMIM 237300.

gnomAD v4.1: 2 of 1,613,986 alleles (0.00012%); highest among the groups gnomAD compares: Non-Finnish European, 0.00017%; no homozygotes.

Submission:

MGZ Medical Genetics Center
Classification: Likely pathogenic for Congenital hyperammonemia, type I. Last evaluated: 2022-02-21. Review status: criteria provided, single submitter. Criteria: ACMG Guidelines, 2015. Collection method: clinical testing. Allele origin: germline. Affected: yes. Observed: 1 variant allele.
Comment: ACMG criteria applied: PVS1, PM2_SUP

NM_001875.5(CPS1):c.2713A>T (p.Lys905Ter)

Gene: CPS1 (carbamoyl-phosphate synthase 1; plus strand). Cytogenetic location: 2q34.
Variant type: single nucleotide variant.
Coding change: c.2713A>T on transcript NM_001875.5 (MANE Select); coding-DNA position 2713, A replaced by T.
Protein change: p.Lys905Ter; replaces lysine 905 with a stop codon.
Molecular consequence: nonsense. On other transcripts: non-coding transcript variant (2).
Genome position (GRCh38, 1-based): chr2:210,637,727, A>T. VCF-style: chr2-210637727-A-T. GRCh37 (hg19) VCF-style: chr2-211502451-A-T.
Other names: c.2713A>T, p.Lys905Ter (NM_001122633.3, NM_001369257.1); c.2746A>T, p.Lys916Ter (NM_001369256.1); short protein forms K905*, K916*.
Identifiers: ClinVar variation 1709229 (VCV001709229.2), dbSNP rs767550452, ClinGen allele CA350430865.
Genomic context (GRCh38, chr2:210,637,727, plus strand): 5'-CTAAACTTGAATCTCTCTTTTCTATTAAATCCTAGTGAGTCCATGACAGAAGAAACCCTG[A>T]AAAGGGCAAAGGAGATTGGGTTCTCAGATAAGCAGATTTCAAAATGCCTTGGGCTCACTG-3'